The following is an entry in ClinVar:

NM_001044.5(SLC6A3):c.1269+1G>A

Gene: SLC6A3 (solute carrier family 6 member 3). Cytogenetic location: 5p15.33.
Variant type: single nucleotide variant.
Coding change: c.1269+1G>A on transcript NM_001044.5 (MANE Select); the canonical splice donor site of the intron after coding-DNA position 1269, G replaced by A.
Molecular consequence: splice donor variant.
Genome position (GRCh38, 1-based): chr5:1,411,242, C>T on the plus strand (G>A on the coding strand, the complement: SLC6A3 is on the minus strand). VCF-style: chr5-1411242-C-T. GRCh37 (hg19) VCF-style: chr5-1411357-C-T.
Other names: IVS9DS, G-T, +1.
Identifiers: ClinVar variation 29685 (VCV000029685.8), dbSNP rs431905504, ClinGen allele CA128555.

ClinVar aggregate classification (germline): Pathogenic. Review status: criteria provided, multiple submitters, no conflicts (2 of 4 stars). 4 submissions from 4 submitters: Pathogenic (3). 1 of the submissions does not count toward it. Last evaluated 2022-12-04.

Conditions:
Parkinsonism-dystonia, infantile. Identifiers: Orphanet 238455, MedGen C2751067, MONDO:0013150.
Classic dopamine transporter deficiency syndrome (PKDYS1). Also called: DOPAMINE TRANSPORTER DEFICIENCY SYNDROME; Parkinsonism-dystonia, infantile, 1. Identifiers: Orphanet 238455, MedGen C5700336, MONDO:0054835, OMIM 613135.

Allele frequency attached by ClinVar (database versions not stated): gnomAD exomes below 0.00001 and 0.00001; TOPMed 0.00001.
gnomAD v4.1: 5 of 1,545,750 alleles (0.00032%); highest among the groups gnomAD compares: African/African-American, 0.0014%; no homozygotes.

Submissions (4):

Labcorp Genetics (formerly Invitae), Labcorp
Classification: Pathogenic for Parkinsonism-dystonia, infantile. Last evaluated: 2022-12-04. Review status: criteria provided, single submitter. Criteria: Invitae Variant Classification Sherloc (09022015). Collection method: clinical testing. Allele origin: germline.
Comment: For these reasons, this variant has been classified as Pathogenic. Algorithms developed to predict the effect of sequence changes on RNA splicing suggest that this variant may disrupt the consensus splice site. ClinVar contains an entry for this variant (Variation ID: 29685). Disruption of this splice site has been observed in individuals with infantile parkinsonism-dystonia (PMID: 22279524, 24613933). The frequency data for this variant in the population databases is considered unreliable, as metrics indicate poor data quality at this position in the gnomAD database. This sequence change affects a donor splice site in intron 9 of the SLC6A3 gene. It is expected to disrupt RNA splicing. Variants that disrupt the donor or acceptor splice site typically lead to a loss of protein function (PMID: 16199547), and loss-of-function variants in SLC6A3 are known to be pathogenic (PMID: 21112253).

GeneDx
Classification: Pathogenic. Last evaluated: 2019-04-18. Review status: criteria provided, single submitter. Criteria: GeneDx Variant Classification Process June 2021. Collection method: clinical testing. Allele origin: germline. Affected: yes.
Comment: Canonical splice site variant in a gene for which loss-of-function is a known mechanism of disease; Not observed at a significant frequency in large population cohorts (Lek et al., 2016); This variant is associated with the following publications: (PMID: 24613933, 22279524, 31028937)

Geisinger Autism and Developmental Medicine Institute, Geisinger Health System
Classification: Pathogenic for Classic dopamine transporter deficiency syndrome. Last evaluated: 2017-12-07. Review status: criteria provided, single submitter. Criteria: ACMG Guidelines, 2015. Collection method: provider interpretation, clinical testing. Allele origin: maternal. Affected: yes. Observed: 1 variant allele.
Comment: Cognitive abilities are uncertain. Brain MRI showed immature myelination. This variant has been reported previously in 2 siblings with DAT deficiency (Puffenberger, 2012).

OMIM
Classification: Pathogenic for PARKINSONISM-DYSTONIA, INFANTILE, 1. Last evaluated: 2012-01-01. Review status: no assertion criteria provided. Collection method: literature only. Allele origin: germline. Not counted in ClinVar's aggregate classification.

Literature cited by the submitters: PubMed 22279524 (cited by 3 submitters); PubMed 24613933 (cited by Labcorp Genetics (formerly Invitae), Labcorp); PubMed 16199547 (cited by Labcorp Genetics (formerly Invitae), Labcorp); PubMed 21112253 (cited by Labcorp Genetics (formerly Invitae), Labcorp).